The following is an entry in ClinVar:

ClinVar aggregate classification (germline): Uncertain significance (1 of 4 stars; one submission).

Conditions:
Brugada syndrome 8 (BRGDA8). Identifiers: Orphanet 130, MedGen C2751083, MONDO:0013148, OMIM 613123.

gnomAD v4.1: 4 of 1,603,972 alleles (0.00025%); highest among the groups gnomAD compares: Non-Finnish European, 0.00034%; no homozygotes.

Submission:

Labcorp Genetics (formerly Invitae), Labcorp
Classification: Uncertain significance for Brugada syndrome 8. Last evaluated: 2025-05-21. Review status: criteria provided, single submitter. Criteria: Invitae Variant Classification Sherloc (09022015). Collection method: clinical testing. Allele origin: germline.
Comment: This sequence change replaces asparagine, which is neutral and polar, with serine, which is neutral and polar, at codon 735 of the HCN4 protein (p.Asn735Ser). This variant is not present in population databases (gnomAD no frequency). This variant has not been reported in the literature in individuals affected with HCN4-related conditions. Invitae Evidence Modeling of protein sequence and biophysical properties (such as structural, functional, and spatial information, amino acid conservation, physicochemical variation, residue mobility, and thermodynamic stability) indicates that this missense variant is not expected to disrupt HCN4 protein function with a negative predictive value of 95%. In summary, the available evidence is currently insufficient to determine the role of this variant in disease. Therefore, it has been classified as a Variant of Uncertain Significance.

NM_005477.3(HCN4):c.2204A>G (p.Asn735Ser)

Gene: HCN4 (hyperpolarization activated cyclic nucleotide gated potassium channel 4; minus strand). Cytogenetic location: 15q24.1.
Variant type: single nucleotide variant.
Coding change: c.2204A>G on transcript NM_005477.3 (MANE Select); coding-DNA position 2204, A replaced by G.
Protein change: p.Asn735Ser; replaces asparagine 735 with serine.
Molecular consequence: missense variant.
Genome position (GRCh38, 1-based): chr15:73,323,889, T>C on the plus strand (A>G on the coding strand, the complement: HCN4 is on the minus strand). VCF-style: chr15-73323889-T-C. GRCh37 (hg19) VCF-style: chr15-73616230-T-C.
Other names: short protein forms N735S.
Identifiers: ClinVar variation 4708372 (VCV004708372.1).